The following is an entry in ClinVar:

ClinVar aggregate classification (germline): Uncertain significance (1 of 4 stars; one submission).

Conditions:
Alpha thalassemia-X-linked intellectual disability syndrome (ATRX). Also called: ALPHA-THALASSEMIA/MENTAL RETARDATION SYNDROME, X-LINKED; ATR, NONDELETION TYPE; ATR-X syndrome; Alpha thalassemia mental retardation syndrome, nondeletion type, X-linked; XLMR hypotonic face syndrome; X-linked alpha-thalassemia-mental retardation syndrome. Identifiers: Orphanet 847, MedGen C1845055, MONDO:0010519, OMIM 301040.

Submission:

Labcorp Genetics (formerly Invitae), Labcorp
Classification: Uncertain significance for Alpha thalassemia-X-linked intellectual disability syndrome. Last evaluated: 2025-10-13. Review status: criteria provided, single submitter. Criteria: Invitae Variant Classification Sherloc (09022015). Collection method: clinical testing. Allele origin: germline.
Comment: This variant, c.4362_4373dup, results in the insertion of 4 amino acid(s) of the ATRX protein (p.Glu1461_Glu1464dup), but otherwise preserves the integrity of the reading frame. This variant is not present in population databases (gnomAD no frequency). This variant has not been reported in the literature in individuals affected with ATRX-related conditions. Experimental studies and prediction algorithms are not available or were not evaluated, and the functional significance of this variant is currently unknown. In summary, the available evidence is currently insufficient to determine the role of this variant in disease. Therefore, it has been classified as a Variant of Uncertain Significance.

NM_000489.6(ATRX):c.4350AGAGGAGGAGGA[3] (p.Glu1464_Asp1465insGluGluGluGlu)

Gene: ATRX (ATRX chromatin remodeler; minus strand). Cytogenetic location: Xq21.1.
Variant type: Microsatellite.
Coding change: c.4350AGAGGAGGAGGA[3] on transcript NM_000489.6 (MANE Select); three copies in a row of the 12-base unit AGAGGAGGAGGA starting at c.4350; the reference has two copies in a row; one copy, 12 bases duplicated.
Protein change: p.Glu1464_Asp1465insGluGluGluGlu.
Genome position (GRCh38, 1-based): chrX:77,652,298-77,652,309, TCCTCCTCCTCT duplicated on the plus strand (AGAGGAGGAGGA on the coding strand, the reverse complement: ATRX is on the minus strand); duplicating any 12 consecutive bases within chrX:77,652,298-77,652,323 gives the same sequence; the position shown is the placement nearest the transcript's 3' end. VCF-style (leftmost placement, unchanged base first): chrX-77652297-C-CTCCTCCTCCTCT. GRCh37 (hg19) VCF-style: chrX-76907787-C-CTCCTCCTCCTCT.
Other names: c.4236AGAGGAGGAGGA[3], p.Glu1426_Asp1427insGluGluGluGlu (NM_138270.5).
Identifiers: ClinVar variation 3702525 (VCV003702525.2).